The following is an entry in ClinVar:

NM_001205293.3(CACNA1E):c.4769G>A (p.Gly1590Asp)

Gene: CACNA1E (calcium voltage-gated channel subunit alpha1 E; plus strand). Cytogenetic location: 1q25.3.
Variant type: single nucleotide variant.
Coding change: c.4769G>A on transcript NM_001205293.3 (MANE Select); coding-DNA position 4769, G replaced by A.
Protein change: p.Gly1590Asp; replaces glycine 1590 with aspartic acid.
Molecular consequence: missense variant.
Genome position (GRCh38, 1-based): chr1:181,763,485, G>A. VCF-style: chr1-181763485-G-A. GRCh37 (hg19) VCF-style: chr1-181732621-G-A.
Other names: c.4769G>A, p.Gly1590Asp (NM_000721.4); c.4712G>A, p.Gly1571Asp (NM_001205294.2); short protein forms G1571D, G1590D.
Identifiers: ClinVar variation 2428952 (VCV002428952.3), dbSNP rs1658764160, ClinGen allele CA343626405.

ClinVar aggregate classification (germline): Uncertain significance (1 of 4 stars; one submission).

Allele frequency attached by ClinVar (database versions not stated): gnomAD exomes below 0.00001.
gnomAD v4.1: 1 of 1,601,340 alleles (0.000062%); highest among the groups gnomAD compares: Non-Finnish European, 0.000085%; no homozygotes.

Submission:

GeneDx
Classification: Uncertain significance. Last evaluated: 2022-08-03. Review status: criteria provided, single submitter. Criteria: GeneDx Variant Classification Process June 2021. Collection method: clinical testing. Allele origin: germline. Affected: yes.
Comment: Not observed at significant frequency in large population cohorts (gnomAD); In silico analysis supports that this missense variant has a deleterious effect on protein structure/function; Has not been previously published as pathogenic or benign to our knowledge